The following is an entry in ClinVar:

ClinVar aggregate classification (germline): Benign/Likely benign. Review status: criteria provided, multiple submitters, no conflicts (2 of 4 stars). 3 submissions from 3 submitters: Benign (1); Likely benign (1). 1 of the submissions does not count toward it. Last evaluated 2025-10-12.

Conditions:
Cardiovascular phenotype. Identifiers: MedGen CN230736.
Alagille syndrome due to a JAG1 point mutation. Also called: HEPATIC DUCTULAR HYPOPLASIA, SYNDROMATIC; JAG1-Related Alagille Syndrome; Alagille Syndrome 1. Identifiers: Orphanet 261619, Orphanet 52, MedGen C1956125, MONDO:0016862, OMIM 118450.
JAG1-related disorder. Also called: JAG1-related condition; JAG1-related disorders.

Allele frequency attached by ClinVar (database versions not stated): gnomAD exomes 0.00002; ExAC 0.00004; gnomAD 0.00007 and 0.00008; TOPMed 0.00008; ESP Exome Variant Server 0.00015.
gnomAD v4.1: 52 of 1,613,808 alleles (0.0032%); highest among the groups gnomAD compares: Admixed American, 0.01%; no homozygotes.

Submissions (3):

Labcorp Genetics (formerly Invitae), Labcorp
Classification: Benign for Alagille syndrome due to a JAG1 point mutation. Last evaluated: 2025-10-12. Review status: criteria provided, single submitter. Criteria: Invitae Variant Classification Sherloc (09022015). Collection method: clinical testing. Allele origin: germline.

Ambry Genetics
Classification: Likely benign for Cardiovascular phenotype. Last evaluated: 2023-03-07. Review status: criteria provided, single submitter. Criteria: Ambry Variant Classification Scheme 2023. Collection method: clinical testing. Allele origin: germline.

PreventionGenetics, part of Exact Sciences
Classification: Likely benign for JAG1-related condition. Last evaluated: 2021-12-10. Review status: no assertion criteria provided. Collection method: clinical testing. Allele origin: germline. Not counted in ClinVar's aggregate classification.
Comment: This variant is classified as likely benign based on ACMG/AMP sequence variant interpretation guidelines (Richards et al. 2015 PMID: 25741868, with internal and published modifications).

NM_000214.3(JAG1):c.3006C>T (p.Cys1002=)

Gene: JAG1 (jagged canonical Notch ligand 1; minus strand). Cytogenetic location: 20p12.2.
Variant type: single nucleotide variant.
Coding change: c.3006C>T on transcript NM_000214.3 (MANE Select); coding-DNA position 3006, C replaced by T.
Protein change: p.Cys1002=; no amino-acid change (cysteine 1002 retained).
Molecular consequence: synonymous variant.
Genome position (GRCh38, 1-based): chr20:10,641,155, G>A on the plus strand (C>T on the coding strand, the complement: JAG1 is on the minus strand). VCF-style: chr20-10641155-G-A. GRCh37 (hg19) VCF-style: chr20-10621803-G-A.
Other names: c.3006C>T, p.Cys1002= (LRG_1191t1).
Identifiers: ClinVar variation 651729 (VCV000651729.9), dbSNP rs372984801, ClinGen allele CA9764327.
Genomic context (GRCh38, chr20:10,641,155, plus strand): 5'-AATGGGTCTTATACTTACAATGGCCACATGTATTTCATTGTTCGCTGAAGGGGAAGGCTC[G>A]CAAGCGATGTAGATTGAATATTCAGCGGAAACATTCTTCAAAATATTCAAATTCCTCAAT-3'
Protein context (NP_000205.1, residues 992-1012): VSAEYSIYIA[Cys1002=]EPSPSANNEI